The following is an entry in ClinVar:

NM_001253697.2(ERBIN):c.2627T>C (p.Met876Thr)

Gene: ERBIN (erbb2 interacting protein; plus strand). Cytogenetic location: 5q12.3.
Variant type: single nucleotide variant.
Coding change: c.2627T>C on transcript NM_001253697.2 (MANE Select); coding-DNA position 2627, T replaced by C.
Protein change: p.Met876Thr; replaces methionine 876 with threonine.
Molecular consequence: missense variant.
Genome position (GRCh38, 1-based): chr5:66,053,945, T>C. VCF-style: chr5-66053945-T-C. GRCh37 (hg19) VCF-style: chr5-65349773-T-C.
Other names: c.2627T>C, p.Met876Thr (NM_001006600.3, NM_001253698.2, NM_001253699.2 and 1 more transcripts); c.2615T>C, p.Met872Thr (NM_001253701.2); short protein forms M872T, M876T.
Identifiers: ClinVar variation 2186313 (VCV002186313.4), dbSNP rs779282377, ClinGen allele CA3286517.
Genomic context (GRCh38, chr5:66,053,945, plus strand): 5'-TCTCCCCTCAGAAAAGTGGTCCAGTTGGATCTGTTGTGAAATCTCATAGCATAACTAATA[T>C]GGAGATTGGAGGGCTAAAAATCTATGATATTCTTAGTGATAATGGACCTCAGCAGCCAAG-3'
Protein context (NP_001240626.1, residues 866-886): SVVKSHSITN[Met876Thr]EIGGLKIYDI

ClinVar aggregate classification (germline): Uncertain significance (1 of 4 stars; one submission).

Allele frequency attached by ClinVar (database versions not stated): TOPMed 0.00001; gnomAD exomes 0.00002; ExAC 0.00003.
gnomAD v4.1: 26 of 1,614,078 alleles (0.0016%); highest among the groups gnomAD compares: Non-Finnish European, 0.0015%; no homozygotes.

Submission:

Labcorp Genetics (formerly Invitae), Labcorp
Classification: Uncertain significance. Last evaluated: 2025-11-10. Review status: criteria provided, single submitter. Criteria: Invitae Variant Classification Sherloc (09022015). Collection method: clinical testing. Allele origin: germline.
Comment: This sequence change replaces methionine, which is neutral and non-polar, with threonine, which is neutral and polar, at codon 876 of the ERBIN protein (p.Met876Thr). This variant is present in population databases (rs779282377, gnomAD 0.004%). This variant has not been reported in the literature in individuals affected with ERBIN-related conditions. ClinVar contains an entry for this variant (Variation ID: 2186313). An algorithm developed to predict the effect of missense changes on protein structure and function (PolyPhen-2) suggests that this variant is likely to be tolerated. In summary, the available evidence is currently insufficient to determine the role of this variant in disease. Therefore, it has been classified as a Variant of Uncertain Significance.